The following is an entry in ClinVar:

NM_002476.2(MYL4):c.446C>T (p.Thr149Met)

Gene: MYL4 (myosin light chain 4; plus strand). Cytogenetic location: 17q21.32.
Variant type: single nucleotide variant.
Coding change: c.446C>T on transcript NM_002476.2 (MANE Select); coding-DNA position 446, C replaced by T.
Protein change: p.Thr149Met; replaces threonine 149 with methionine.
Molecular consequence: missense variant.
Genome position (GRCh38, 1-based): chr17:47,221,814, C>T. VCF-style: chr17-47221814-C-T. GRCh37 (hg19) VCF-style: chr17-45299180-C-T.
Other names: c.446C>T, p.Thr149Met (NM_001002841.2); short protein forms T149M.
Identifiers: ClinVar variation 665264 (VCV000665264.11), dbSNP rs200236286, ClinGen allele CA8622743.

ClinVar aggregate classification (germline): Conflicting classifications of pathogenicity. Review status: criteria provided, conflicting classifications (1 of 4 stars). 3 submissions from 3 submitters: Uncertain significance (2); Likely benign (1). Last evaluated 2026-01-19.

Conditions:
MYL4-related disorder. Also called: MYL4-related condition.
Atrial fibrillation, familial, 18 (ATFB18). Identifiers: MedGen C4310636, MONDO:0015001, OMIM 617280.

Allele frequency attached by ClinVar (database versions not stated): gnomAD exomes 0.00005 and 0.00010; ExAC 0.00015; ESP Exome Variant Server 0.00015; gnomAD 0.00020 and 0.00021; TOPMed 0.00027; 1000 Genomes Project 0.00080; 1000 Genomes Project 30x 0.00094.
gnomAD v4.1: 109 of 1,614,016 alleles (0.0068%); highest among the groups gnomAD compares: African/African-American, 0.079%; 1 homozygote.

Submissions (3):

Labcorp Genetics (formerly Invitae), Labcorp
Classification: Uncertain significance for Atrial fibrillation, familial, 18. Last evaluated: 2026-01-19. Review status: criteria provided, single submitter. Criteria: Invitae Variant Classification Sherloc (09022015). Collection method: clinical testing. Allele origin: germline.
Comment: This sequence change replaces threonine, which is neutral and polar, with methionine, which is neutral and non-polar, at codon 149 of the MYL4 protein (p.Thr149Met). This variant is present in population databases (rs200236286, gnomAD 0.1%). This variant has not been reported in the literature in individuals affected with MYL4-related conditions. ClinVar contains an entry for this variant (Variation ID: 665264). An algorithm developed to predict the effect of missense changes on protein structure and function (PolyPhen-2) suggests that this variant is likely to be tolerated. In summary, the available evidence is currently insufficient to determine the role of this variant in disease. Therefore, it has been classified as a Variant of Uncertain Significance.

Ambry Genetics
Classification: Uncertain significance. Last evaluated: 2025-08-08. Review status: criteria provided, single submitter. Criteria: Ambry Variant Classification Scheme 2023. Collection method: clinical testing. Allele origin: germline.

PreventionGenetics, part of Exact Sciences
Classification: Likely benign for MYL4-related condition. Last evaluated: 2025-02-06. Review status: criteria provided, single submitter. Criteria: ACMG Guidelines, 2015. Collection method: clinical testing. Allele origin: germline.
Comment: This variant is classified as likely benign based on ACMG/AMP sequence variant interpretation guidelines (Richards et al. 2015 PMID: 25741868, with internal and published modifications).